The following is an entry in ClinVar:

ClinVar aggregate classification (germline): Pathogenic. Review status: criteria provided, multiple submitters, no conflicts (2 of 4 stars). 5 submissions from 5 submitters: Pathogenic (3). 2 of the submissions do not count toward it. Last evaluated 2022-03-29.

Conditions:
SLC35A2-congenital disorder of glycosylation. Also called: DEVELOPMENTAL AND EPILEPTIC ENCEPHALOPATHY 22; CONGENITAL DISORDER OF GLYCOSYLATION, TYPE IIm; CDG IIm; CONGENITAL DISORDER OF GLYCOSYLATION, TYPE IIm, SOMATIC MOSAIC; EPILEPTIC ENCEPHALOPATHY, EARLY INFANTILE, 22; SLC35A2-CDG. Identifiers: Orphanet 356961, MedGen C3806688, MONDO:0010478, OMIM 300896.

Submissions (5):

GeneDx
Classification: Pathogenic. Last evaluated: 2022-03-29. Review status: criteria provided, single submitter. Criteria: GeneDx Variant Classification Process June 2021. Collection method: clinical testing. Allele origin: germline. Affected: yes.
Comment: Published functional studies found this variant is associated with reduced UDP-galactose transport (Ng BG et al., 2013); Not observed at significant frequency in large population cohorts (gnomAD); This variant is associated with the following publications: (PMID: 27743886, 32820034, 23561849, 25778940, 28771251, 29907092, 30746764)

Labcorp Genetics (formerly Invitae), Labcorp
Classification: Pathogenic for SLC35A2-congenital disorder of glycosylation. Last evaluated: 2022-02-10. Review status: criteria provided, single submitter. Criteria: Invitae Variant Classification Sherloc (09022015). Collection method: clinical testing. Allele origin: germline.
Comment: For these reasons, this variant has been classified as Pathogenic. Algorithms developed to predict the effect of missense changes on protein structure and function are either unavailable or do not agree on the potential impact of this missense change (SIFT: "Tolerated"; PolyPhen-2: "Probably Damaging"; Align-GVGD: "Class C0"). ClinVar contains an entry for this variant (Variation ID: 50364). This missense change has been observed in individual(s) with early infantile epileptic encephalopathy and/or SLC35A2-CDG (PMID: 23561849, 28771251, 29907092, 30746764; Invitae). In at least one individual the variant was observed to be de novo. This variant is not present in population databases (gnomAD no frequency). This sequence change replaces valine, which is neutral and non-polar, with isoleucine, which is neutral and non-polar, at codon 331 of the SLC35A2 protein (p.Val331Ile).

Rady Children's Institute for Genomic Medicine, Rady Children's Hospital San Diego
Classification: Pathogenic for CONGENITAL DISORDER OF GLYCOSYLATION, TYPE IIm. Last evaluated: 2020-08-18. Review status: criteria provided, single submitter. Criteria: ACMG Guidelines, 2015. Collection method: clinical testing. Allele origin: germline. Affected: yes.
Comment: This variant has been previously reported as a de novo change in multiple, unrelated, patients with congenital disorder of glycosylation (PMID: 23561849, 28771251, 29907092, 30746764). It is absent from the gnomAD population database and thus is presumed to be rare. The c.991G>A (p.Val331Ile) variant affects a highly conserved amino acid; however, in silico tools used to predict the effect of this variant on protein function yield discordant results. Analysis of the parental samples was negative for the variant, indicating this variant likely occurred as a de novo event. Based on the available evidence, the c.991G>A (p.Val331Ile) variant is classified as Pathogenic.

University of Washington Center for Mendelian Genomics, University of Washington
Classification: Pathogenic for CONGENITAL DISORDER OF GLYCOSYLATION, TYPE IIm. Last evaluated: 2013-11-14. Review status: no assertion criteria provided. Collection method: research. Allele origin: de novo. Affected: yes. Observed: 1 variant allele. Not counted in ClinVar's aggregate classification.

OMIM
Classification: Pathogenic for CONGENITAL DISORDER OF GLYCOSYLATION, TYPE IIm, SOMATIC MOSAIC. Last evaluated: 2013-04-04. Review status: no assertion criteria provided. Collection method: literature only. Allele origin: somatic. Not counted in ClinVar's aggregate classification.

Literature cited by the submitters: PubMed 23561849 (cited by 3 submitters); PubMed 28771251 (cited by Labcorp Genetics (formerly Invitae), Labcorp); PubMed 29907092 (cited by Labcorp Genetics (formerly Invitae), Labcorp); PubMed 30746764 (cited by Labcorp Genetics (formerly Invitae), Labcorp).

NM_005660.3(SLC35A2):c.991G>A (p.Val331Ile)

Gene: SLC35A2 (solute carrier family 35 member A2; minus strand). Cytogenetic location: Xp11.23.
Variant type: single nucleotide variant.
Coding change: c.991G>A on transcript NM_005660.3 (MANE Select); coding-DNA position 991, G replaced by A.
Protein change: p.Val331Ile; replaces valine 331 with isoleucine.
Molecular consequence: missense variant. On other transcripts: intron variant (3).
Genome position (GRCh38, 1-based): chrX:48,904,918, C>T on the plus strand (G>A on the coding strand, the complement: SLC35A2 is on the minus strand). VCF-style: chrX-48904918-C-T. GRCh37 (hg19) VCF-style: chrX-48762195-C-T.
Other names: c.991G>A, p.Val331Ile (NM_001042498.3); c.808G>A, p.Val270Ile (NM_001282649.2); c.1030G>A, p.Val344Ile (NM_001282650.2); c.1075G>A, p.Val359Ile (NM_001282651.2); c.427-26G>A (NM_001282647.2, NM_001032289.3); c.355-26G>A (NM_001282648.2); short protein forms V331I, V344I, V359I, V270I.
Identifiers: ClinVar variation 50364 (VCV000050364.13), dbSNP rs587776961, ClinGen allele CA143742.